The following is an entry in ClinVar:

ClinVar aggregate classification (germline): Benign. Review status: criteria provided, multiple submitters, no conflicts (2 of 4 stars). 2 submissions from 2 submitters: Benign (2). Last evaluated 2018-07-10.

Conditions:
Charcot-Marie-Tooth disease X-linked dominant 1. Also called: CHARCOT-MARIE-TOOTH NEUROPATHY, X-LINKED, 1; CHARCOT-MARIE-TOOTH PERONEAL MUSCULAR ATROPHY, X-LINKED; HEREDITARY MOTOR AND SENSORY NEUROPATHY, X-LINKED; HMSN, X-LINKED; Charcot-Marie-Tooth Neuropathy X Type 1; X-linked Charcot-Marie-Tooth disease type 1. Identifiers: Orphanet 101075, MedGen C0393808, MONDO:0010549, OMIM 302800.

Allele frequency attached by ClinVar (database versions not stated): 1000 Genomes Project 0.02199; gnomAD 0.02210; 1000 Genomes Project 30x 0.02435; TOPMed 0.02580.
gnomAD v4.1: 3,898 of 526,613 alleles (0.74%); highest among the groups gnomAD compares: African/African-American, 8.2%; 113 homozygotes.

Submissions (2):

GeneDx
Classification: Benign. Last evaluated: 2018-07-10. Review status: criteria provided, single submitter. Criteria: GeneDx Variant Classification Process June 2021. Collection method: clinical testing. Allele origin: germline. Affected: yes.

Illumina Laboratory Services, Illumina
Classification: Benign for Charcot-Marie-Tooth disease X-linked dominant 1. Last evaluated: 2017-04-28. Review status: criteria provided, single submitter. Criteria: ICSL Variant Classification Criteria 13 December 2019. Collection method: clinical testing. Allele origin: germline.
Comment: This variant was observed as part of a predisposition screen in an ostensibly healthy population. A literature search was performed for the gene, cDNA change, and amino acid change (where applicable). No publications were found based on this search. Allele frequency data from public databases was too high to be consistent with this variant causing disease. Therefore, this variant is classified as benign.

NM_000166.6(GJB1):c.*163G>T

Gene: GJB1 (gap junction protein beta 1; plus strand). Cytogenetic location: Xq13.1.
Variant type: single nucleotide variant.
Coding change: c.*163G>T on transcript NM_000166.6 (MANE Select); 163 bases downstream of the stop codon, G replaced by T.
Molecular consequence: 3 prime UTR variant.
Genome position (GRCh38, 1-based): chrX:71,224,722, G>T. VCF-style: chrX-71224722-G-T. GRCh37 (hg19) VCF-style: chrX-70444572-G-T.
Other names: c.*163G>T (NM_001097642.3).
Identifiers: ClinVar variation 368629 (VCV000368629.6), dbSNP rs139775308, ClinGen allele CA10654049.